The following is an entry in ClinVar:

ClinVar aggregate classification (germline): Likely pathogenic (1 of 4 stars; one submission).

Conditions:
T-cell lymphopenia, infantile, with or without nail dystrophy, autosomal dominant. Identifiers: Orphanet 676039, MedGen C5394133, MONDO:0032928, OMIM 618806.

Submission:

Neuberg Centre For Genomic Medicine, NCGM
Classification: Likely pathogenic for T-cell lymphopenia, infantile, with or without nail dystrophy, autosomal dominant. Last evaluated: 2023-05-20. Review status: criteria provided, single submitter. Criteria: ACMG Guidelines, 2015. Collection method: clinical testing. Allele origin: germline. Inheritance: Autosomal dominant inheritance. Affected: yes.
Comment: The observed frameshift variant c.1455del (p.Gly486AlafsTer64) in the FOXN1 gene has not been reported previously as a pathogenic variant nor as a benign variant, to our knowledge. This variant is absent in the gnomAD Exomes. This variant causes a frameshift starting with codon Glycine 486, changes this amino acid to Alanine residue, and creates a premature Stop codon at position 64 of the new reading frame, denoted p.Gly486AlafsTer64. Though this variant is present in the penultimate exon, there are two pathogenic deletion variants reported beyond this position in the ClinVar database. This variant is predicted to cause loss of normal protein function through protein truncation. Loss of function variants have been previously reported to be disease causing (Bosticardo M, et al., 2019). For these reasons, this variant has been classified as Likely Pathogenic.

NM_001369369.1(FOXN1):c.1455del (p.Gly486fs)

Gene: FOXN1 (forkhead box N1; plus strand). Cytogenetic location: 17q11.2.
Variant type: Deletion.
Coding change: c.1455del on transcript NM_001369369.1 (MANE Select); coding-DNA position 1455, one base deleted (A; older notation c.1455delA).
Protein change: p.Gly486fs; shifts the reading frame from glycine 486.
Molecular consequence: frameshift variant.
Genome position (GRCh38, 1-based): chr17:28,535,026, A deleted. VCF-style (leftmost placement, unchanged base first): chr17-28535025-CA-C. GRCh37 (hg19) VCF-style: chr17-26862043-CA-C.
Other names: c.1455del, p.Gly486fs (NM_003593.3); short protein forms G486fs.
Identifiers: ClinVar variation 3341317 (VCV003341317.1).